The following is an entry in ClinVar:

NM_000254.3(MTR):c.3711+8A>C

Gene: MTR (5-methyltetrahydrofolate-homocysteine methyltransferase; plus strand). Cytogenetic location: 1q43.
Variant type: single nucleotide variant.
Coding change: c.3711+8A>C on transcript NM_000254.3 (MANE Select); 8 bases into the intron after coding-DNA position 3711, A replaced by C.
Molecular consequence: intron variant.
Genome position (GRCh38, 1-based): chr1:236,897,126, A>C. VCF-style: chr1-236897126-A-C. GRCh37 (hg19) VCF-style: chr1-237060426-A-C.
Other names: c.3558+8A>C (NM_001291939.1); c.2490+8A>C (NM_001291940.2).
Identifiers: ClinVar variation 390280 (VCV000390280.1), dbSNP rs1057523709, ClinGen allele CA16603618.

ClinVar aggregate classification (germline): Likely benign (1 of 4 stars; one submission).

Submission:

GeneDx
Classification: Likely benign. Last evaluated: 2016-11-08. Review status: criteria provided, single submitter. Criteria: GeneDx Variant Classification (06012015). Collection method: clinical testing. Allele origin: germline. Affected: yes.
Comment: This variant is considered likely benign or benign based on one or more of the following criteria: it is a conservative change, it occurs at a poorly conserved position in the protein, it is predicted to be benign by multiple in silico algorithms, and/or has population frequency not consistent with disease.